The following is an entry in ClinVar:

NM_152744.4(SDK1):c.1728C>T (p.Ile576=)

Gene: SDK1 (sidekick cell adhesion molecule 1; plus strand). Cytogenetic location: 7p22.2.
Variant type: single nucleotide variant.
Coding change: c.1728C>T on transcript NM_152744.4 (MANE Select); coding-DNA position 1728, C replaced by T.
Protein change: p.Ile576=; no amino-acid change (isoleucine 576 retained).
Molecular consequence: synonymous variant.
Genome position (GRCh38, 1-based): chr7:3,971,479, C>T. VCF-style: chr7-3971479-C-T. GRCh37 (hg19) VCF-style: chr7-4011111-C-T.
Identifiers: ClinVar variation 2657247 (VCV002657247.24), dbSNP rs140973897, ClinGen allele CA4133878.
Genomic context (GRCh38, chr7:3,971,479, plus strand): 5'-TGTCAAACTTGTCATTTCGTCTGACTCGTGACTTGTGTTTTTTTCAGATCGGACGTCCAT[C>T]GTCCACCCTCCTGAGGACCACGTGGTGATTAAGGGGACCACGGCCACGCTGCACTGTGGT-3'
Protein context (NP_689957.3, residues 566-586): ATLTVWNRTS[Ile576=]VHPPEDHVVI

ClinVar aggregate classification (germline): Likely benign (1 of 4 stars; one submission).

Allele frequency attached by ClinVar (database versions not stated): ExAC 0.00279; ESP Exome Variant Server 0.00023; 1000 Genomes Project 30x 0.00047; TOPMed 0.00048; 1000 Genomes Project 0.00060.
gnomAD v4.1: 2,208 of 1,612,010 alleles (0.14%); highest among the groups gnomAD compares: East Asian, 0.19%; 23 homozygotes.

Submission:

CeGaT Center for Human Genetics Tuebingen
Classification: Likely benign. Last evaluated: 2022-09-01. Review status: criteria provided, single submitter. Criteria: CeGaT Center For Human Genetics Tuebingen Variant Classification Criteria Version 2. Collection method: clinical testing. Allele origin: germline. Affected: yes. Observed: 1 variant allele.
Comment: SDK1: BP4, BP7